The following is an entry in ClinVar:

ClinVar aggregate classification (germline): Uncertain significance (1 of 4 stars; one submission).

Allele frequency attached by ClinVar (database versions not stated): gnomAD exomes below 0.00001.
gnomAD v4.1: 5 of 1,613,710 alleles (0.00031%); highest among the groups gnomAD compares: Non-Finnish European, 0.00042%; no homozygotes.

Submission:

Labcorp Genetics (formerly Invitae), Labcorp
Classification: Uncertain significance. Last evaluated: 2025-03-03. Review status: criteria provided, single submitter. Criteria: Invitae Variant Classification Sherloc (09022015). Collection method: clinical testing. Allele origin: germline.
Comment: This sequence change replaces alanine, which is neutral and non-polar, with threonine, which is neutral and polar, at codon 1241 of the COL2A1 protein (p.Ala1241Thr). This variant is not present in population databases (gnomAD no frequency). This variant has not been reported in the literature in individuals affected with COL2A1-related conditions. ClinVar contains an entry for this variant (Variation ID: 1357388). Invitae Evidence Modeling of protein sequence and biophysical properties (such as structural, functional, and spatial information, amino acid conservation, physicochemical variation, residue mobility, and thermodynamic stability) indicates that this missense variant is not expected to disrupt COL2A1 protein function with a negative predictive value of 95%. In summary, the available evidence is currently insufficient to determine the role of this variant in disease. Therefore, it has been classified as a Variant of Uncertain Significance.

NM_001844.5(COL2A1):c.3721G>A (p.Ala1241Thr)

Gene: COL2A1 (collagen type II alpha 1 chain; minus strand). Cytogenetic location: 12q13.11.
Variant type: single nucleotide variant.
Coding change: c.3721G>A on transcript NM_001844.5 (MANE Select); coding-DNA position 3721, G replaced by A.
Protein change: p.Ala1241Thr; replaces alanine 1241 with threonine.
Molecular consequence: missense variant.
Genome position (GRCh38, 1-based): chr12:47,975,482, C>T on the plus strand (G>A on the coding strand, the complement: COL2A1 is on the minus strand). VCF-style: chr12-47975482-C-T. GRCh37 (hg19) VCF-style: chr12-48369265-C-T.
Other names: c.3514G>A, p.Ala1172Thr (NM_033150.3); short protein forms A1241T, A1172T.
Identifiers: ClinVar variation 1357388 (VCV001357388.8), dbSNP rs1208388893, ClinGen allele CA384536837.